The following is an entry in ClinVar:

ClinVar aggregate classification (germline): Likely pathogenic. Review status: criteria provided, multiple submitters, no conflicts (2 of 4 stars). 2 submissions from 2 submitters: Likely pathogenic (2). Last evaluated 2025-12-23.

Conditions:
Pitt-Hopkins syndrome (PTHS). Also called: ENCEPHALOPATHY, SEVERE EPILEPTIC, WITH AUTONOMIC DYSFUNCTION; MENTAL RETARDATION, SYNDROMAL, WITH INTERMITTENT HYPERVENTILATION. Identifiers: Orphanet 2896, MedGen C1970431, MONDO:0012589, OMIM 610954.

Submissions (2):

GeneDx
Classification: Likely pathogenic. Last evaluated: 2025-12-23. Review status: criteria provided, single submitter. Criteria: GeneDx Variant Classification Process June 2021. Collection method: clinical testing. Allele origin: germline.
Comment: Canonical splice site variant predicted to result in a null allele in a gene for which loss of function is a known mechanism of disease; Not observed at significant frequency in large population cohorts (gnomAD); Has not been previously published as pathogenic or benign to our knowledge

Labcorp Genetics (formerly Invitae), Labcorp
Classification: Likely pathogenic for Pitt-Hopkins syndrome. Last evaluated: 2025-04-08. Review status: criteria provided, single submitter. Criteria: Invitae Variant Classification Sherloc (09022015). Collection method: clinical testing. Allele origin: germline.
Comment: This sequence change affects an acceptor splice site in intron 6 of the TCF4 gene. It is expected to disrupt RNA splicing. Variants that disrupt the donor or acceptor splice site typically lead to a loss of protein function (PMID: 16199547), and loss-of-function variants in TCF4 are known to be pathogenic (PMID: 18728071, 22045651). This variant is not present in population databases (gnomAD no frequency). This variant has not been reported in the literature in individuals affected with TCF4-related conditions. ClinVar contains an entry for this variant (Variation ID: 3342587). Algorithms developed to predict the effect of sequence changes on RNA splicing suggest that this variant may disrupt the consensus splice site. In summary, the currently available evidence indicates that the variant is pathogenic, but additional data are needed to prove that conclusively. Therefore, this variant has been classified as Likely Pathogenic.

Literature cited by the submitters: PubMed 16199547 (cited by Labcorp Genetics (formerly Invitae), Labcorp); PubMed 18728071 (cited by Labcorp Genetics (formerly Invitae), Labcorp); PubMed 22045651 (cited by Labcorp Genetics (formerly Invitae), Labcorp).

NM_001083962.2(TCF4):c.370-1G>A

Gene: TCF4 (transcription factor 4; minus strand). Cytogenetic location: 18q21.2.
Variant type: single nucleotide variant.
Coding change: c.370-1G>A on transcript NM_001083962.2 (MANE Select); the canonical splice acceptor site of the intron before coding-DNA position 370, G replaced by A.
Molecular consequence: splice acceptor variant. On other transcripts: intron variant (12).
Genome position (GRCh38, 1-based): chr18:55,351,004, C>T on the plus strand (G>A on the coding strand, the complement: TCF4 is on the minus strand). VCF-style: chr18-55351004-C-T. GRCh37 (hg19) VCF-style: chr18-53018235-C-T.
Other names: c.676-1G>A (NM_001243226.3); c.298-4G>A (NM_001369584.1, NM_001369576.1, NM_001369585.1 and 3 more transcripts); c.298-1G>A (NM_001369577.1, NM_001369582.1, NM_001243227.2 and 9 more transcripts); c.370-1G>A (NM_001369571.1, NM_001369567.1, NM_001243228.2 and 5 more transcripts); c.364-1G>A (NM_001243230.2); c.370-4G>A (NM_001369569.1, NM_001369573.1, NM_001369570.1); c.244-1G>A (NM_001243231.2, NM_001348211.2); c.-18-4G>A (NM_001348212.2); and 2 more.
Identifiers: ClinVar variation 3342587 (VCV003342587.3).
Genomic context (GRCh38, chr18:55,351,004, plus strand): 5'-TTTGGTGGGCGAAAGGGTTCCTGGGTTGCCCATATCCATGTCACCTCCAAGGAGACTCTG[C>T]TAAAAGGTTAAAAAGGGAAAACAAACATATAAGGTTAATTTTTTACTTTCACCACCTCCC-3'